The following is an entry in ClinVar:

NM_032242.4(PLXNA1):c.1518+3G>A

Gene: PLXNA1 (plexin A1; plus strand). Cytogenetic location: 3q21.3.
Variant type: single nucleotide variant.
Coding change: c.1518+3G>A on transcript NM_032242.4 (MANE Select); 3 bases into the intron after coding-DNA position 1518, G replaced by A.
Molecular consequence: intron variant.
Genome position (GRCh38, 1-based): chr3:127,003,473, G>A. VCF-style: chr3-127003473-G-A. GRCh37 (hg19) VCF-style: chr3-126722316-G-A.
Identifiers: ClinVar variation 3344512 (VCV003344512.1).
Genomic context (GRCh38, chr3:127,003,473, plus strand): 5'-GCGAGACCTCGTCCTCAGCCCCAACCACCAGTACCTCTACGCCATGACCGAGAAGCAGGT[G>A]GGTGCTGCACCAGTCAGACGGTGTGGCTGAAGGTGGGGGCCCTCCTACCAGGAACCCCAG-3'

ClinVar aggregate classification (germline): Likely benign (0 of 4 stars; one submission).

Conditions:
PLXNA1-related disorder. Also called: PLXNA1-related condition.

Submission:

PreventionGenetics, part of Exact Sciences
Classification: Likely benign for PLXNA1-related condition. Last evaluated: 2024-04-10. Review status: no assertion criteria provided. Collection method: clinical testing. Allele origin: germline.
Comment: This variant is classified as likely benign based on ACMG/AMP sequence variant interpretation guidelines (Richards et al. 2015 PMID: 25741868, with internal and published modifications).